The following is an entry in ClinVar:

ClinVar aggregate classification (germline): Uncertain significance (1 of 4 stars; one submission).

Conditions:
Diamond-Blackfan anemia 8 (DBA8). Also called: RPS7-Related Diamond-Blackfan Anemia. Identifiers: Orphanet 124, MedGen C2675511, MONDO:0012939, OMIM 612563.

gnomAD v4.1: 5 of 1,612,870 alleles (0.00031%); highest among the groups gnomAD compares: East Asian, 0.0022%; no homozygotes.

Submission:

Labcorp Genetics (formerly Invitae), Labcorp
Classification: Uncertain significance for Diamond-Blackfan anemia 8. Last evaluated: 2024-06-30. Review status: criteria provided, single submitter. Criteria: Invitae Variant Classification Sherloc (09022015). Collection method: clinical testing. Allele origin: germline.
Comment: This sequence change replaces arginine, which is basic and polar, with histidine, which is basic and polar, at codon 109 of the RPS7 protein (p.Arg109His). This variant is not present in population databases (gnomAD no frequency). This variant has not been reported in the literature in individuals affected with RPS7-related conditions. An algorithm developed to predict the effect of missense changes on protein structure and function (PolyPhen-2) suggests that this variant is likely to be tolerated. In summary, the available evidence is currently insufficient to determine the role of this variant in disease. Therefore, it has been classified as a Variant of Uncertain Significance.

NM_001011.4(RPS7):c.326G>A (p.Arg109His)

Gene: RPS7 (ribosomal protein S7; plus strand). Cytogenetic location: 2p25.3.
Variant type: single nucleotide variant.
Coding change: c.326G>A on transcript NM_001011.4 (MANE Select); coding-DNA position 326, G replaced by A.
Protein change: p.Arg109His; replaces arginine 109 with histidine.
Molecular consequence: missense variant.
Genome position (GRCh38, 1-based): chr2:3,577,744, G>A. VCF-style: chr2-3577744-G-A. GRCh37 (hg19) VCF-style: chr2-3625334-G-A.
Other names: short protein forms R109H.
Identifiers: ClinVar variation 3717893 (VCV003717893.2).